The following is an entry in ClinVar:

NM_001943.5(DSG2):c.463A>G (p.Asn155Asp)

Gene: DSG2 (desmoglein 2; plus strand). Cytogenetic location: 18q12.1.
Variant type: single nucleotide variant.
Coding change: c.463A>G on transcript NM_001943.5 (MANE Select); coding-DNA position 463, A replaced by G.
Protein change: p.Asn155Asp; replaces asparagine 155 with aspartic acid.
Molecular consequence: missense variant.
Genome position (GRCh38, 1-based): chr18:31,521,183, A>G. VCF-style: chr18-31521183-A-G. GRCh37 (hg19) VCF-style: chr18-29101146-A-G.
Other names: short protein forms N155D.
Identifiers: ClinVar variation 4781431 (VCV004781431.1).

ClinVar aggregate classification (germline): Uncertain significance (1 of 4 stars; one submission).

Conditions:
Arrhythmogenic right ventricular dysplasia 10. Also called: Arrhythmogenic Right Ventricular Dysplasia/Cardiomyopathy10; ARRHYTHMOGENIC RIGHT VENTRICULAR DYSPLASIA, FAMILIAL, 10; Arrhythmogenic right ventricular dysplasia/cardiomyopathy, type 10. Identifiers: MedGen C1857777, MONDO:0012434, OMIM 610193.

gnomAD v4.1: 3 of 1,614,008 alleles (0.00019%); highest among the groups gnomAD compares: South Asian, 0.0011%; no homozygotes.

Submission:

Labcorp Genetics (formerly Invitae), Labcorp
Classification: Uncertain significance for Arrhythmogenic right ventricular dysplasia 10. Last evaluated: 2025-12-23. Review status: criteria provided, single submitter. Criteria: Invitae Variant Classification Sherloc (09022015). Collection method: clinical testing. Allele origin: germline.
Comment: This sequence change replaces asparagine, which is neutral and polar, with aspartic acid, which is acidic and polar, at codon 155 of the DSG2 protein (p.Asn155Asp). This variant is present in population databases (rs764577709, gnomAD 0.003%). This variant has not been reported in the literature in individuals affected with DSG2-related conditions. Invitae Evidence Modeling of protein sequence and biophysical properties (such as structural, functional, and spatial information, amino acid conservation, physicochemical variation, residue mobility, and thermodynamic stability) has been performed for this missense variant. However, the output from this modeling did not meet the statistical confidence thresholds required to predict the impact of this variant on DSG2 protein function. In summary, the available evidence is currently insufficient to determine the role of this variant in disease. Therefore, it has been classified as a Variant of Uncertain Significance.